The following is an entry in ClinVar:

ClinVar aggregate classification (germline): Uncertain significance. Review status: criteria provided, multiple submitters, no conflicts (2 of 4 stars). 3 submissions from 3 submitters: Uncertain significance (3). Last evaluated 2026-06-03.

Conditions:
Inborn genetic diseases. Identifiers: MedGen C0950123, MeSH D030342.
Cornelia de Lange syndrome 1 (CDLS1). Also called: TYPUS DEGENERATIVUS AMSTELODAMENSIS; Brachmann de Lange syndrome; NIPBL-Related Cornelia de Lange Syndrome. Identifiers: Orphanet 199, MedGen C4551851, MONDO:0007387, OMIM 122470.

Submissions (3):

Ambry Genetics
Classification: Uncertain significance for Inborn genetic diseases. Last evaluated: 2026-06-03. Review status: criteria provided, single submitter. Criteria: Ambry Variant Classification Scheme 2023. Collection method: clinical testing. Allele origin: germline.

Labcorp Genetics (formerly Invitae), Labcorp
Classification: Uncertain significance for Cornelia de Lange syndrome 1. Last evaluated: 2025-06-17. Review status: criteria provided, single submitter. Criteria: Invitae Variant Classification Sherloc (09022015). Collection method: clinical testing. Allele origin: germline.
Comment: This sequence change replaces valine, which is neutral and non-polar, with glycine, which is neutral and non-polar, at codon 50 of the NIPBL protein (p.Val50Gly). This variant is not present in population databases (gnomAD no frequency). This variant has not been reported in the literature in individuals affected with NIPBL-related conditions. ClinVar contains an entry for this variant (Variation ID: 3592218). Invitae Evidence Modeling of protein sequence and biophysical properties (such as structural, functional, and spatial information, amino acid conservation, physicochemical variation, residue mobility, and thermodynamic stability) indicates that this missense variant is expected to disrupt NIPBL protein function with a positive predictive value of 80%. In summary, the available evidence is currently insufficient to determine the role of this variant in disease. Therefore, it has been classified as a Variant of Uncertain Significance.

Fulgent Genetics
Classification: Uncertain significance for Cornelia de Lange syndrome 1. Last evaluated: 2024-06-18. Review status: criteria provided, single submitter. Criteria: ACMG Guidelines, 2015. Collection method: clinical testing. Allele origin: germline.

NM_133433.4(NIPBL):c.149T>G (p.Val50Gly)

Gene: NIPBL (NIPBL cohesin loading factor; plus strand). Cytogenetic location: 5p13.2.
Variant type: single nucleotide variant.
Coding change: c.149T>G on transcript NM_133433.4 (MANE Select); coding-DNA position 149, T replaced by G.
Protein change: p.Val50Gly; replaces valine 50 with glycine.
Molecular consequence: missense variant.
Genome position (GRCh38, 1-based): chr5:36,955,556, T>G. VCF-style: chr5-36955556-T-G. GRCh37 (hg19) VCF-style: chr5-36955658-T-G.
Other names: c.149T>G (NM_133433.3); c.149T>G, p.Val50Gly (NM_015384.5); short protein forms V50G.
Identifiers: ClinVar variation 3592218 (VCV003592218.4).